The following is an entry in ClinVar:

NM_001349.4(DARS1):c.85T>G (p.Tyr29Asp)

Gene: DARS1 (aspartyl-tRNA synthetase 1; minus strand). Cytogenetic location: 2q21.3.
Variant type: single nucleotide variant.
Coding change: c.85T>G on transcript NM_001349.4 (MANE Select); coding-DNA position 85, T replaced by G.
Protein change: p.Tyr29Asp; replaces tyrosine 29 with aspartic acid.
Molecular consequence: missense variant. On other transcripts: intron variant (1).
Genome position (GRCh38, 1-based): chr2:135,983,436, A>C on the plus strand (T>G on the coding strand, the complement: DARS1 is on the minus strand). VCF-style: chr2-135983436-A-C. GRCh37 (hg19) VCF-style: chr2-136741006-A-C.
Other names: c.-177+1967T>G (NM_001293312.1); short protein forms Y29D.
Identifiers: ClinVar variation 1682567 (VCV001682567.8), dbSNP rs1201609764, ClinGen allele CA348652434.

ClinVar aggregate classification (germline): Uncertain significance (1 of 4 stars; one submission).

Allele frequency attached by ClinVar (database versions not stated): gnomAD exomes below 0.00001.
gnomAD v4.1: 4 of 1,207,124 alleles (0.00033%); highest among the groups gnomAD compares: South Asian, 0.0038%; no homozygotes.

Submission:

Labcorp Genetics (formerly Invitae), Labcorp
Classification: Uncertain significance. Last evaluated: 2021-12-02. Review status: criteria provided, single submitter. Criteria: Invitae Variant Classification Sherloc (09022015). Collection method: clinical testing. Allele origin: germline.
Comment: This variant is present in population databases (no rsID available, gnomAD 0.004%). This variant has not been reported in the literature in individuals affected with DARS-related conditions. Algorithms developed to predict the effect of missense changes on protein structure and function (SIFT, PolyPhen-2, Align-GVGD) all suggest that this variant is likely to be disruptive. In summary, the available evidence is currently insufficient to determine the role of this variant in disease. Therefore, it has been classified as a Variant of Uncertain Significance. This sequence change replaces tyrosine, which is neutral and polar, with aspartic acid, which is acidic and polar, at codon 29 of the DARS protein (p.Tyr29Asp).